The following is an entry in ClinVar:

ClinVar aggregate classification (germline): Pathogenic (1 of 4 stars; one submission).

Conditions:
Clark-Baraitser syndrome. Also called: BARAITSER SYNDROME; Mental retardation, tall stature, obesity, macrocephaly and typical facial features; Intellectual disability, autosomal dominant 49; MENTAL RETARDATION, AUTOSOMAL DOMINANT 49. Identifiers: Orphanet 600731, MedGen C2931130, MONDO:0030914, OMIM 617752.

Submission:

Baylor Genetics
Classification: Pathogenic for Clark-Baraitser syndrome. Last evaluated: 2019-04-23. Review status: criteria provided, single submitter. Criteria: ACMG Guidelines, 2015. Collection method: clinical testing. Allele origin: unknown. Affected: yes.
Comment: This variant was determined to be pathogenic according to ACMG Guidelines, 2015 [PMID:25741868].

NM_001348323.3(TRIP12):c.5459dup (p.Ala1821fs)

Gene: TRIP12 (thyroid hormone receptor interactor 12; minus strand). Cytogenetic location: 2q36.3.
Variant type: Duplication.
Coding change: c.5459dup on transcript NM_001348323.3 (MANE Select); coding-DNA position 5459, one base duplicated (T; older notation c.5459dupT).
Protein change: p.Ala1821fs; shifts the reading frame from alanine 1821.
Molecular consequence: frameshift variant.
Genome position (GRCh38, 1-based): chr2:229,777,385, A duplicated on the plus strand (T on the coding strand, the reverse complement: TRIP12 is on the minus strand). VCF-style (leftmost placement, unchanged base first): chr2-229777384-T-TA. GRCh37 (hg19) VCF-style: chr2-230642100-T-TA.
Other names: c.5378dup, p.Ala1794fs (NM_001284214.2, NM_001348315.2); c.5333dup, p.Ala1779fs (NM_001284215.2, NM_001348316.2); c.4424dup, p.Ala1476fs (NM_001284216.2); c.5318dup, p.Ala1774fs (NM_001348317.1, NM_001348318.2); c.5444dup, p.Ala1816fs (NM_001348319.1, NM_001348320.2); c.5447dup, p.Ala1817fs (NM_001348321.1); c.5459dup, p.Ala1821fs (NM_001348322.1, NM_001348324.2, NM_001348325.2 and 2 more transcripts); c.5462dup, p.Ala1822fs (NM_001348328.1, NM_001348329.2, NM_001348330.2); and 4 more; short protein forms A1476fs, A1816fs, A1774fs, A1795fs, A1746fs, A1747fs, A1787fs, A1794fs.
Identifiers: ClinVar variation 1028708 (VCV001028708.1), dbSNP rs2036605188, ClinGen allele CA1334022285.
Genomic context (GRCh38, chr2:229,777,384, plus strand): 5'-ATCTTGTTCAAGTCTTTTCTTCTGTCTGACAATGTCTTCTAGGTGATAAACTGATCTGGC[T>TA]ACAACTGGGTCGATGTCAAACAAATCGTGTGATGTCAGTGAAGTTTCTTGCCGTAGCATC-3'